The following is an entry in ClinVar:

ClinVar aggregate classification (germline): Uncertain significance (1 of 4 stars; one submission).

Submission:

Labcorp Genetics (formerly Invitae), Labcorp
Classification: Uncertain significance. Last evaluated: 2025-06-12. Review status: criteria provided, single submitter. Criteria: Invitae Variant Classification Sherloc (09022015). Collection method: clinical testing. Allele origin: germline.
Comment: This sequence change replaces alanine, which is neutral and non-polar, with threonine, which is neutral and polar, at codon 536 of the GATAD2B protein (p.Ala536Thr). This variant is not present in population databases (gnomAD no frequency). This variant has not been reported in the literature in individuals affected with GATAD2B-related conditions. ClinVar contains an entry for this variant (Variation ID: 3640970). Invitae Evidence Modeling of protein sequence and biophysical properties (such as structural, functional, and spatial information, amino acid conservation, physicochemical variation, residue mobility, and thermodynamic stability) indicates that this missense variant is not expected to disrupt GATAD2B protein function with a negative predictive value of 80%. In summary, the available evidence is currently insufficient to determine the role of this variant in disease. Therefore, it has been classified as a Variant of Uncertain Significance.

NM_020699.4(GATAD2B):c.1606G>A (p.Ala536Thr)

Gene: GATAD2B (GATA zinc finger domain containing 2B; minus strand). Cytogenetic location: 1q21.3.
Variant type: single nucleotide variant.
Coding change: c.1606G>A on transcript NM_020699.4 (MANE Select); coding-DNA position 1606, G replaced by A.
Protein change: p.Ala536Thr; replaces alanine 536 with threonine.
Molecular consequence: missense variant.
Genome position (GRCh38, 1-based): chr1:153,811,773, C>T on the plus strand (G>A on the coding strand, the complement: GATAD2B is on the minus strand). VCF-style: chr1-153811773-C-T. GRCh37 (hg19) VCF-style: chr1-153784249-C-T.
Other names: short protein forms A536T.
Identifiers: ClinVar variation 3640970 (VCV003640970.2).
Genomic context (GRCh38, chr1:153,811,773, plus strand): 5'-CAGATTAATCCTTCTTACCTGGCATACCAAGGAGGCCACCTGGCACAGACAACTGGGGTG[C>T]CTGTGCAAAGTTTGAAAGCATGGAGCGGGCAGATGTGGGTATGCCACGCTGGAGGCTGCT-3'
Protein context (NP_065750.1, residues 526-546): ARSMLSNFAQ[Ala536Thr]PQLSVPGGLL